The following is an entry in ClinVar:

NM_020822.3(KCNT1):c.2008+9G>T

Gene: KCNT1 (potassium sodium-activated channel subfamily T member 1; plus strand). Cytogenetic location: 9q34.3.
Variant type: single nucleotide variant.
Coding change: c.2008+9G>T on transcript NM_020822.3 (MANE Select); 9 bases into the intron after coding-DNA position 2008, G replaced by T.
Molecular consequence: intron variant.
Genome position (GRCh38, 1-based): chr9:135,771,104, G>T. VCF-style: chr9-135771104-G-T. GRCh37 (hg19) VCF-style: chr9-138662950-G-T.
Other names: c.1873+9G>T (NM_001272003.2).
Identifiers: ClinVar variation 387338 (VCV000387338.10), dbSNP rs375088109, ClinGen allele CA5327146.

ClinVar aggregate classification (germline): Likely benign. Review status: criteria provided, multiple submitters, no conflicts (2 of 4 stars). 5 submissions from 4 submitters: Likely benign (5). Last evaluated 2024-10-15.

Conditions:
Developmental and epileptic encephalopathy, 14 (DEE14). Also called: Early infantile epileptic encephalopathy 14. Identifiers: Orphanet 293181, MedGen C3554195, MONDO:0013989, OMIM 614959.
Autosomal dominant nocturnal frontal lobe epilepsy 5. Also called: KCNT1-Related Epilepsy; CILIARY DYSKINESIA, PRIMARY, 28, WITHOUT SITUS INVERSUS; CILIARY DYSKINESIA, PRIMARY, 28, WITH SITUS INVERSUS; Epilepsy, nocturnal frontal lobe, 5. Identifiers: Orphanet 98784, MedGen C3554306, MONDO:0014002, OMIM 615005.

Allele frequency attached by ClinVar (database versions not stated): ExAC below 0.00001; gnomAD exomes 0.00001; gnomAD 0.00002; TOPMed 0.00002; ESP Exome Variant Server 0.00008.
gnomAD v4.1: 11 of 1,604,952 alleles (0.00069%); highest among the groups gnomAD compares: East Asian, 0.0022%; no homozygotes.

Submissions (5):

Blueprint Genetics
Classification: Likely benign. Last evaluated: 2024-10-15. Review status: criteria provided, single submitter. Criteria: ACMG Guidelines, 2015. Collection method: clinical testing. Allele origin: germline.

Labcorp Genetics (formerly Invitae), Labcorp
Classification: Likely benign for Autosomal dominant nocturnal frontal lobe epilepsy 5; Developmental and epileptic encephalopathy, 14. Last evaluated: 2023-01-05. Review status: criteria provided, single submitter. Criteria: Invitae Variant Classification Sherloc (09022015). Collection method: clinical testing. Allele origin: germline.

Genome-Nilou Lab
Classification: Likely benign for Developmental and epileptic encephalopathy, 14. Last evaluated: 2022-03-15. Review status: criteria provided, single submitter. Criteria: ACMG Guidelines, 2015. Collection method: clinical testing. Allele origin: germline. Affected: no.

Genome-Nilou Lab
Classification: Likely benign for Autosomal dominant nocturnal frontal lobe epilepsy 5. Last evaluated: 2022-03-15. Review status: criteria provided, single submitter. Criteria: ACMG Guidelines, 2015. Collection method: clinical testing. Allele origin: germline. Affected: no.

GeneDx
Classification: Likely benign. Last evaluated: 2016-07-05. Review status: criteria provided, single submitter. Criteria: GeneDx Variant Classification (06012015). Collection method: clinical testing. Allele origin: germline. Affected: yes.
Comment: This variant is considered likely benign or benign based on one or more of the following criteria: it is a conservative change, it occurs at a poorly conserved position in the protein, it is predicted to be benign by multiple in silico algorithms, and/or has population frequency not consistent with disease.